The following is an entry in ClinVar:

ClinVar aggregate classification (germline): Uncertain significance (1 of 4 stars; one submission).

Conditions:
Tietz syndrome (TADS). Also called: ALBINISM-DEAFNESS OF TIETZ; HYPOPIGMENTATION/DEAFNESS OF TIETZ; TIETZ ALBINISM-DEAFNESS SYNDROME. Identifiers: Orphanet 42665, MedGen C0391816, MONDO:0007077, OMIM 103500.
Melanoma, cutaneous malignant, susceptibility to, 8. Also called: Cutaneous malignant melanoma 8; MELANOMA AND RENAL CELL CARCINOMA, SUSCEPTIBILITY TO. Identifiers: Orphanet 293822, MedGen C3152204, MONDO:0013759, OMIM 614456.
Waardenburg syndrome type 2A (WS2A). Also called: WAARDENBURG SYNDROME WITHOUT DYSTOPIA CANTHORUM. Identifiers: Orphanet 3440, MedGen C1860339, MONDO:0008671, OMIM 193510.

Submission:

Labcorp Genetics (formerly Invitae), Labcorp
Classification: Uncertain significance for Melanoma, cutaneous malignant, susceptibility to, 8; Waardenburg syndrome type 2A; Tietz syndrome. Last evaluated: 2024-01-28. Review status: criteria provided, single submitter. Criteria: Invitae Variant Classification Sherloc (09022015). Collection method: clinical testing. Allele origin: unknown.
Comment: A copy number gain of the genomic region encompassing the full coding sequence of the MITF gene has been identified. The boundaries of this event are unknown as they extend beyond the assayed region for this gene and therefore may encompass additional genes. As the precise location of this event is unknown, it may be in tandem or it may be located elsewhere in the genome. This variant has not been reported in the literature in individuals affected with MITF-related conditions. In summary, the available evidence is currently insufficient to determine the role of this variant in disease. Therefore, it has been classified as a Variant of Uncertain Significance.

NC_000003.11:g.(?_69985874)_(70014399_?)dup

Gene: MITF (melanocyte inducing transcription factor; plus strand). Cytogenetic location: 3p13.
Variant type: Duplication.
Identifiers: ClinVar variation 3246915 (VCV003246915.1).